The following is an entry in ClinVar:

ClinVar aggregate classification (germline): Uncertain significance (1 of 4 stars; one submission).

Conditions:
Inflammatory bowel disease. Identifiers: Orphanet 104012, MedGen C0021390, MONDO:0005265.

Submission:

Labcorp Genetics (formerly Invitae), Labcorp
Classification: Uncertain significance for Inflammatory bowel disease. Last evaluated: 2021-07-21. Review status: criteria provided, single submitter. Criteria: Invitae Variant Classification Sherloc (09022015). Collection method: clinical testing. Allele origin: germline.
Comment: This sequence change replaces glutamine with lysine at codon 81 of the IL10 protein (p.Gln81Lys). The glutamine residue is highly conserved and there is a small physicochemical difference between glutamine and lysine. This variant is not present in population databases (ExAC no frequency). This variant has not been reported in the literature in individuals with IL10-related conditions. Algorithms developed to predict the effect of missense changes on protein structure and function are either unavailable or do not agree on the potential impact of this missense change (SIFT: "Tolerated"; PolyPhen-2: "Possibly Damaging"; Align-GVGD: "Class C0"). In summary, the available evidence is currently insufficient to determine the role of this variant in disease. Therefore, it has been classified as a Variant of Uncertain Significance.

NM_000572.3(IL10):c.241C>A (p.Gln81Lys)

Genes: IL10 (interleukin 10; minus strand), IL19 (interleukin 19; plus strand), LOC129932369 (ATAC-STARR-seq lymphoblastoid active region 2419; plus strand). Cytogenetic location: 1q32.1.
Variant type: single nucleotide variant.
Coding change: c.241C>A on transcript NM_000572.3 (MANE Select); coding-DNA position 241, C replaced by A.
Protein change: p.Gln81Lys; replaces glutamine 81 with lysine.
Molecular consequence: missense variant. On other transcripts: 5 prime UTR variant (2), non-coding transcript variant (1), intron variant (1).
Genome position (GRCh38, 1-based): chr1:206,771,044, G>T on the plus strand (C>A on the coding strand, the complement: IL10 is on the minus strand). VCF-style: chr1-206771044-G-T. GRCh37 (hg19) VCF-style: chr1-206944389-G-T.
Other names: c.-183G>T (NM_153758.5); c.-15C>A (NM_001382624.1); c.-149+214G>T (NM_001393490.1); short protein forms Q81K.
Identifiers: ClinVar variation 1495514 (VCV001495514.8), dbSNP rs2102439318, ClinGen allele CA344482223.
Genomic context (GRCh38, chr1:206,771,044, plus strand): 5'-GGTTCTCAGCTTGGGGCATCACCTCCTCCAGGTAAAACTGGATCATCTCAGACAAGGCTT[G>T]GCAACCCAGGTAACCCTAAGGGCAGGAGCCAAAGGTGAGTGAGAGATTGGCGGAGGTGGC-3'
Protein context (NP_000563.1, residues 71-91): LEDFKGYLGC[Gln81Lys]ALSEMIQFYL